The following is an entry in ClinVar:

ClinVar aggregate classification (germline): Pathogenic/Likely pathogenic. Review status: criteria provided, multiple submitters, no conflicts (2 of 4 stars). 2 submissions from 2 submitters: Pathogenic (1); Likely pathogenic (1). Last evaluated 2025-04-01.

Conditions:
Autosomal recessive ABCC6-related disorders.

gnomAD v4.1: 1 of 1,613,570 alleles (0.000062%); highest among the groups gnomAD compares: East Asian, 0.0022%; no homozygotes.

Submissions (2):

Variantyx, Inc.
Classification: Likely pathogenic for Autosomal recessive ABCC6-related disorders. Last evaluated: 2025-04-01. Review status: criteria provided, single submitter. Criteria: Variantyx Assertion Criteria 2022. Collection method: clinical testing. Allele origin: germline. Inheritance: Autosomal recessive inheritance.
Comment: This is a nonsense variant in the ABCC6 gene (OMIM: 603234). Pathogenic variants in this gene have been associated with autosomal recessive ABCC6-related disorders. This variant introduces a premature termination codon in exon 13 out of 31 and is expected to result in loss of function, which is a known disease mechanism for ABCC6 in these disorders(PMID:10835643)(PVS1). This variant has a 0.0028% maximum allele frequency in non-founder control populations (PM2). Based on the current evidence, this variant is classified as likely pathogenic for autosomal dominant and autosomal recessive ABCC6-related disorders.

Labcorp Genetics (formerly Invitae), Labcorp
Classification: Pathogenic. Last evaluated: 2024-03-09. Review status: criteria provided, single submitter. Criteria: Invitae Variant Classification Sherloc (09022015). Collection method: clinical testing. Allele origin: germline.
Comment: This sequence change creates a premature translational stop signal (p.Gln593*) in the ABCC6 gene. It is expected to result in an absent or disrupted protein product. Loss-of-function variants in ABCC6 are known to be pathogenic (PMID: 11536079, 17617515). This variant is present in population databases (no rsID available, gnomAD 0.006%). This variant has not been reported in the literature in individuals affected with ABCC6-related conditions. Algorithms developed to predict the effect of sequence changes on RNA splicing suggest that this variant may create or strengthen a splice site. For these reasons, this variant has been classified as Pathogenic.

Literature cited by the submitters: PubMed 10835643 (cited by Variantyx, Inc.); PubMed 11536079 (cited by Labcorp Genetics (formerly Invitae), Labcorp); PubMed 17617515 (cited by Labcorp Genetics (formerly Invitae), Labcorp).

NM_001171.6(ABCC6):c.1777C>T (p.Gln593Ter)

Gene: ABCC6 (ATP binding cassette subfamily C member 6; minus strand). Cytogenetic location: 16p13.11.
Variant type: single nucleotide variant.
Coding change: c.1777C>T on transcript NM_001171.6 (MANE Select); coding-DNA position 1777, C replaced by T.
Protein change: p.Gln593Ter; replaces glutamine 593 with a stop codon.
Molecular consequence: nonsense. On other transcripts: non-coding transcript variant (1).
Genome position (GRCh38, 1-based): chr16:16,188,833, G>A on the plus strand (C>T on the coding strand, the complement: ABCC6 is on the minus strand). VCF-style: chr16-16188833-G-A. GRCh37 (hg19) VCF-style: chr16-16282690-G-A.
Other names: c.1435C>T, p.Gln479Ter (NM_001351800.1); short protein forms Q479*, Q593*.
Identifiers: ClinVar variation 3689906 (VCV003689906.3).